The following is an entry in ClinVar:

ClinVar aggregate classification (germline): not provided (0 of 4 stars; one submission).

Conditions:
Coronary heart disease, susceptibility to, 2. Also called: Coronary heart disease 2. Identifiers: MedGen C1842260, MONDO:0012009, OMIM 608316.

Submission:

Functional Genomics, Thrombosis Research Institute, India
No classification provided. Condition: Coronary heart disease 2. Review status: no classification provided. Collection method: not provided. Allele origin: somatic.
Comment: The variant was detected by PCR and sequencing of a 542 bp region encompassing the rs3917356 SNP and subsequent assembly and comparison to ENSEMBLE reference sequence.

NM_000576.3(IL1B):c.99+383G>C

Gene: IL1B (interleukin 1 beta; minus strand). Cytogenetic location: 2q14.1.
Variant type: single nucleotide variant.
Coding change: c.99+383G>C on transcript NM_000576.3 (MANE Select); 383 bases into the intron after coding-DNA position 99, G replaced by C.
Molecular consequence: intron variant.
Genome position (GRCh38, 1-based): chr2:112,835,183, C>G on the plus strand (G>C on the coding strand, the complement: IL1B is on the minus strand). VCF-style: chr2-112835183-C-G. GRCh37 (hg19) VCF-style: chr2-113592760-C-G.
Identifiers: ClinVar variation 120093 (VCV000120093.1), dbSNP rs281864746, ClinGen allele CA150765.
Genomic context (GRCh38, chr2:112,835,183, plus strand): 5'-TCTTGTTGTTATAAGCTTCACCCCAGGTAGCAAAAAACTATTCTACTCAAAAGGGGTAGA[C>G]ATATGTTAGTTCTCAAGATCATCTCTTGGTTTCAGAGTTTAACTCAAGTGATTGGCATAG-3'